The following is an entry in ClinVar:

ClinVar aggregate classification (germline): Uncertain significance (1 of 4 stars; one submission).

Conditions:
Familial thoracic aortic aneurysm and aortic dissection (TAAD). Also called: Thoracic aortic aneurysms and dissections. Identifiers: Orphanet 91387, MedGen C4707243, MONDO:0019625.

gnomAD v4.1: 2 of 1,612,204 alleles (0.00012%); highest among the groups gnomAD compares: Non-Finnish European, 0.000085%; no homozygotes.

Submission:

Ambry Genetics
Classification: Uncertain significance for Familial thoracic aortic aneurysm and aortic dissection. Last evaluated: 2026-04-12. Review status: criteria provided, single submitter. Criteria: Ambry Variant Classification Scheme 2023. Collection method: clinical testing. Allele origin: germline.
Comment: The p.L1423F variant (also known as c.4267C>T), located in coding exon 25 of the NOTCH1 gene, results from a C to T substitution at nucleotide position 4267. The leucine at codon 1423 is replaced by phenylalanine, an amino acid with highly similar properties. This amino acid position is conserved. In addition, this alteration is predicted to be tolerated by in silico analysis. Based on the available evidence, the clinical significance of this variant remains unclear.

NM_017617.5(NOTCH1):c.4267C>T (p.Leu1423Phe)

Gene: NOTCH1 (notch receptor 1; minus strand). Cytogenetic location: 9q34.3.
Variant type: single nucleotide variant.
Coding change: c.4267C>T on transcript NM_017617.5 (MANE Select); coding-DNA position 4267, C replaced by T.
Protein change: p.Leu1423Phe; replaces leucine 1423 with phenylalanine.
Molecular consequence: missense variant.
Genome position (GRCh38, 1-based): chr9:136,505,629, G>A on the plus strand (C>T on the coding strand, the complement: NOTCH1 is on the minus strand). VCF-style: chr9-136505629-G-A. GRCh37 (hg19) VCF-style: chr9-139400081-G-A.
Other names: short protein forms L1423F.
Identifiers: ClinVar variation 4830658 (VCV004830658.2).